The following is an entry in ClinVar:

NM_000093.5(COL5A1):c.977G>A (p.Gly326Glu)

Gene: COL5A1 (collagen type V alpha 1 chain; plus strand). Cytogenetic location: 9q34.3.
Variant type: single nucleotide variant.
Coding change: c.977G>A on transcript NM_000093.5 (MANE Select); coding-DNA position 977, G replaced by A.
Protein change: p.Gly326Glu; replaces glycine 326 with glutamic acid.
Molecular consequence: missense variant.
Genome position (GRCh38, 1-based): chr9:134,730,288, G>A. VCF-style: chr9-134730288-G-A. GRCh37 (hg19) VCF-style: chr9-137622134-G-A.
Other names: c.977G>A, p.Gly326Glu (NM_001278074.1); short protein forms G326E.
Identifiers: ClinVar variation 452517 (VCV000452517.5), dbSNP rs748152732, ClinGen allele CA5318608.
Genomic context (GRCh38, chr9:134,730,288, plus strand): 5'-GCTCCCAGGAGCTGACCCCGACCCCCACGGAAGCTGCTCCCATGCCTGAAACCAGTGAAG[G>A]GGCTGGGAAGGAAGAGGACGTCGGCATCGGGGACTATGACTACGTGCCCAGTGAGGACTA-3'
Protein context (NP_000084.3, residues 316-336): EAAPMPETSE[Gly326Glu]AGKEEDVGIG

ClinVar aggregate classification (germline): Uncertain significance. Review status: criteria provided, multiple submitters, no conflicts (2 of 4 stars). 3 submissions from 3 submitters: Uncertain significance (3). Last evaluated 2024-11-29.

Conditions:
Ehlers-Danlos syndrome, classic type, 1 (EDSCL1). Also called: EHLERS-DANLOS SYNDROME, GRAVIS TYPE; EHLERS-DANLOS SYNDROME, SEVERE CLASSIC TYPE; EDS I; Ehlers-Danlos Syndrome, Classic Type, COL5A1-Related; Ehlers-Danlos syndrome, type 1. Identifiers: MedGen C0268335, MONDO:0019567, OMIM 130000.
Fibromuscular dysplasia, multifocal. Identifiers: MedGen C5543412, MONDO:0859151, OMIM 619329.

Allele frequency attached by ClinVar (database versions not stated): TOPMed below 0.00001; ExAC 0.00001; gnomAD 0.00001; gnomAD exomes 0.00001.
gnomAD v4.1: 10 of 1,614,108 alleles (0.00062%); highest among the groups gnomAD compares: Non-Finnish European, 0.00085%; no homozygotes.

Submissions (3):

Women's Health and Genetics/Laboratory Corporation of America, LabCorp
Classification: Uncertain significance. Last evaluated: 2024-11-29. Review status: criteria provided, single submitter. Criteria: LabCorp Variant Classification Summary - May 2015. Collection method: clinical testing. Allele origin: germline.

Fulgent Genetics
Classification: Uncertain significance for Ehlers-Danlos syndrome, classic type, 1; Fibromuscular dysplasia, multifocal. Last evaluated: 2024-01-19. Review status: criteria provided, single submitter. Criteria: ACMG Guidelines, 2015. Collection method: clinical testing. Allele origin: germline.

GeneDx
Classification: Uncertain significance. Last evaluated: 2017-10-06. Review status: criteria provided, single submitter. Criteria: GeneDx Variant Classification (06012015). Collection method: clinical testing. Allele origin: germline. Affected: yes.
Comment: The G326E variant in the COL5A1 gene has not been reported previously as a pathogenic variant, nor as a benign variant, to our knowledge. The G326E variant is not observed in large population cohorts (Lek et al., 2016). The G326E variant is a non-conservative amino acid substitution, which is likely to impact secondary protein structure as these residues differ in polarity, charge, size and/or other properties. This substitution occurs at a position that is not conserved. In silico analysis predicts this variant likely does not alter the protein structure/function. We interpret G326E as a variant of uncertain significance.